The following is an entry in ClinVar:

ClinVar aggregate classification (germline): Conflicting classifications of pathogenicity. Review status: criteria provided, conflicting classifications (1 of 4 stars). 10 submissions from 10 submitters: Uncertain significance (3); Benign (1); Likely benign (6). Last evaluated 2026-09-08.

Conditions:
TSC1-related disorder. Also called: TSC1-related condition.
Hereditary cancer-predisposing syndrome. Also called: Neoplastic Syndromes, Hereditary; Hereditary neoplastic syndrome; Hereditary Cancer Syndrome; Tumor predisposition. Identifiers: Orphanet 140162, MedGen C0027672, MeSH D009386, MONDO:0015356.
Tuberous sclerosis syndrome (TSC). Also called: Tuberous sclerosis; Tuberous Sclerosis Complex. Identifiers: Orphanet 805, MedGen C0041341, MONDO:0001734.
Tuberous sclerosis 1 (TSC1). Identifiers: Orphanet 805, MedGen C1854465, MONDO:0008612, OMIM 191100.

Allele frequency attached by ClinVar (database versions not stated): gnomAD exomes 0.00001 and 0.00002; ExAC 0.00002; gnomAD 0.00002 and 0.00003; TOPMed 0.00005; ESP Exome Variant Server 0.00008.
gnomAD v4.1: 16 of 1,614,052 alleles (0.00099%); highest among the groups gnomAD compares: African/African-American, 0.0027%; no homozygotes.

Submissions (10):

PreventionGenetics, part of Exact Sciences
Classification: Likely benign for TSC1-related condition. Last evaluated: 2026-09-08. Review status: criteria provided, single submitter. Criteria: ACMG Guidelines, 2015. Collection method: clinical testing. Allele origin: germline.
Comment: This variant is classified as likely benign based on ACMG/AMP sequence variant interpretation guidelines (Richards et al. 2015 PMID: 25741868, with internal and published modifications).

Labcorp Genetics (formerly Invitae), Labcorp
Classification: Benign for Tuberous sclerosis 1. Last evaluated: 2026-01-25. Review status: criteria provided, single submitter. Criteria: Invitae Variant Classification Sherloc (09022015). Collection method: clinical testing. Allele origin: germline.

Dasa
Classification: Uncertain significance. Last evaluated: 2025-11-29. Review status: criteria provided, single submitter. Criteria: DASA Assertion Criteria. Collection method: clinical testing. Allele origin: germline.
Comment: NM_000368.5(TSC1):c.850C>T (p.Arg284Cys) is a missense variant that results in the substitution of arginine with cysteine. This variant is rare in population databases. Computational prediction algorithms are consistent with a benign effect. The currently available literature and clinical evidence are not sufficient to establish a definitive association between this variant and the reported condition. Therefore, this variant is classified as a variant of uncertain significance.

St. Jude Molecular Pathology, St. Jude Children's Research Hospital
Classification: Uncertain significance for Tuberous sclerosis 1. Last evaluated: 2025-02-05. Review status: criteria provided, single submitter. Criteria: St. Jude Assertion Criteria 2020. Collection method: clinical testing. Allele origin: germline.
Comment: The TSC1 c.850C>T (p.Arg284Cys) missense change has a maximum subpopulation frequency of 0.008% in gnomAD v2.1.1. The in silico tool REVEL predicts a benign effect on protein function, but to our knowledge this prediction has not been confirmed by functional studies. To our knowledge, this variant has not been reported in individuals with tuberous sclerosis complex. In summary, the evidence currently available is insufficient to determine the clinical significance of this variant. It has therefore been classified as of uncertain significance.

Blueprint Genetics
Classification: Likely benign. Last evaluated: 2023-05-05. Review status: criteria provided, single submitter. Criteria: ACMG Guidelines, 2015. Collection method: clinical testing. Allele origin: germline.

Color Diagnostics, LLC DBA Color Health
Classification: Likely benign for Tuberous sclerosis syndrome. Last evaluated: 2022-05-26. Review status: criteria provided, single submitter. Criteria: ACMG Guidelines, 2015. Collection method: clinical testing. Allele origin: germline.

Genome-Nilou Lab
Classification: Likely benign for Tuberous sclerosis 1. Last evaluated: 2021-11-07. Review status: criteria provided, single submitter. Criteria: ACMG Guidelines, 2015. Collection method: clinical testing. Allele origin: germline. Affected: no.

Sema4
Classification: Uncertain significance for Hereditary cancer-predisposing syndrome. Last evaluated: 2021-10-07. Review status: criteria provided, single submitter. Criteria: Sema4 Curation Guidelines. Collection method: curation. Allele origin: germline.
Comment: To the best of our knowledge, the TSC1 c.850C>T (p.R284C) variant has not been reported in individuals with TSC1-related disease. It was observed in 6/282806 chromosomes across all populations in the large and broad cohorts of the Genome Aggregation Database (PMID: 32461654). The variant has been reported in ClinVar (Variation ID: 237729). Functional studies have not been performed, and in silico predictions of the variant's effect on protein function are inconclusive. The evidence is insufficient to meet ACMG/AMP criteria for classifying the variant as benign or pathogenic. Thus, the clinical significance of this variant is currently uncertain.

Ambry Genetics
Classification: Likely benign for Hereditary cancer-predisposing syndrome. Last evaluated: 2021-09-02. Review status: criteria provided, single submitter. Criteria: Ambry Variant Classification Scheme 2023. Collection method: clinical testing. Allele origin: germline.

GeneDx
Classification: Likely benign. Last evaluated: 2021-07-23. Review status: criteria provided, single submitter. Criteria: GeneDx Variant Classification Process June 2021. Collection method: clinical testing. Allele origin: germline. Affected: yes.

NM_000368.5(TSC1):c.850C>T (p.Arg284Cys)

Gene: TSC1 (TSC complex subunit 1; minus strand). Cytogenetic location: 9q34.13.
Variant type: single nucleotide variant.
Coding change: c.850C>T on transcript NM_000368.5 (MANE Select); coding-DNA position 850, C replaced by T.
Protein change: p.Arg284Cys; replaces arginine 284 with cysteine.
Molecular consequence: missense variant.
Genome position (GRCh38, 1-based): chr9:132,912,345, G>A on the plus strand (C>T on the coding strand, the complement: TSC1 is on the minus strand). VCF-style: chr9-132912345-G-A. GRCh37 (hg19) VCF-style: chr9-135787732-G-A.
Other names: c.850C>T, p.Arg284Cys (NM_001162426.2); c.697C>T, p.Arg233Cys (NM_001162427.2); c.487C>T, p.Arg163Cys (NM_001362177.2); short protein forms R284C, R163C, R233C.
Identifiers: ClinVar variation 237729 (VCV000237729.28), dbSNP rs140544652, ClinGen allele CA039166.